The following is an entry in ClinVar:

NM_000018.4(ACADVL):c.716_717del (p.Lys239fs)

Gene: ACADVL (acyl-CoA dehydrogenase very long chain; plus strand). Cytogenetic location: 17p13.1.
Variant type: Deletion.
Coding change: c.716_717del on transcript NM_000018.4 (MANE Select); coding-DNA positions 716 to 717, 2 bases deleted (AA; older notation c.716_717delAA).
Protein change: p.Lys239fs; shifts the reading frame from lysine 239.
Molecular consequence: frameshift variant.
Genome position (GRCh38, 1-based): chr17:7,222,045-7,222,046, AA deleted; deleting any 2 consecutive bases within chr17:7,222,043-7,222,046 gives the same sequence; the c. name uses the placement nearest the transcript's 3' end. VCF-style (leftmost placement, unchanged base first): chr17-7222042-GAA-G. GRCh37 (hg19) VCF-style: chr17-7125361-GAA-G.
Other names: c.650_651del, p.Lys217fs (NM_001033859.3); c.785_786del, p.Lys262fs (NM_001270447.2); c.488_489del, p.Lys163fs (NM_001270448.2); short protein forms K217fs, K262fs, K163fs, K239fs.
Identifiers: ClinVar variation 3002821 (VCV003002821.3), dbSNP rs2508299246, ClinGen allele CA2740090939.

ClinVar aggregate classification (germline): Pathogenic (1 of 4 stars; one submission).

Conditions:
Very long chain acyl-CoA dehydrogenase deficiency (ACADVLD). Also called: Very Long-Chain Acyl-Coenzyme A Dehydrogenase Deficiency; VLCAD Deficiency. Identifiers: Orphanet 26793, MedGen C3887523, MONDO:0008723, OMIM 201475.

Submission:

Labcorp Genetics (formerly Invitae), Labcorp
Classification: Pathogenic for Very long chain acyl-CoA dehydrogenase deficiency. Last evaluated: 2023-07-07. Review status: criteria provided, single submitter. Criteria: Invitae Variant Classification Sherloc (09022015). Collection method: clinical testing. Allele origin: germline.
Comment: This variant has not been reported in the literature in individuals affected with ACADVL-related conditions. This sequence change creates a premature translational stop signal (p.Lys239Ilefs*13) in the ACADVL gene. It is expected to result in an absent or disrupted protein product. Loss-of-function variants in ACADVL are known to be pathogenic (PMID: 9973285, 11590124). This variant is not present in population databases (gnomAD no frequency). For these reasons, this variant has been classified as Pathogenic.

Literature cited by the submitters: PubMed 9973285; PubMed 11590124.